The following is an entry in ClinVar:

ClinVar aggregate classification (germline): Uncertain significance. Review status: criteria provided, multiple submitters, no conflicts (2 of 4 stars). 4 submissions from 4 submitters: Uncertain significance (4). Last evaluated 2025-09-05.

Conditions:
Inborn genetic diseases. Identifiers: MedGen C0950123, MeSH D030342.
Charcot-Marie-Tooth disease type 2. Also called: Charcot-Marie-Tooth type 2. Identifiers: Orphanet 64746, MedGen C0270914, MONDO:0018993.
Charcot-Marie-Tooth disease type 2A2. Also called: CHARCOT-MARIE-TOOTH DISEASE, AXONAL, TYPE 2A2; CHARCOT-MARIE-TOOTH DISEASE, NEURONAL, TYPE 2A2; HEREDITARY MOTOR AND SENSORY NEUROPATHY IIA2; HMSN IIA2; Charcot-Marie-Tooth Neuropathy Type 2A2; CHARCOT-MARIE-TOOTH DISEASE, AXONAL, AUTOSOMAL DOMINANT, TYPE 2A2A. Identifiers: Orphanet 99947, MedGen C4721887, MONDO:0012231, OMIM 609260.

Submissions (4):

Mayo Clinic Laboratories, Mayo Clinic
Classification: Uncertain significance. Last evaluated: 2025-09-05. Review status: criteria provided, single submitter. Criteria: ACMG Guidelines, 2015. Collection method: clinical testing. Allele origin: germline. Observed: 1 variant allele.
Comment: PM2_supporting, PM4

MVZ Martinsried, Medicover Genetics
Classification: Uncertain significance for Charcot-Marie-Tooth disease type 2A2. Last evaluated: 2025-04-29. Review status: criteria provided, single submitter. Criteria: ACGS Guidelines, 2020. Collection method: clinical testing. Allele origin: unknown. Affected: yes. Observed: 1 heterozygote.

Labcorp Genetics (formerly Invitae), Labcorp
Classification: Uncertain significance for Charcot-Marie-Tooth disease type 2. Last evaluated: 2021-10-27. Review status: criteria provided, single submitter. Criteria: Invitae Variant Classification Sherloc (09022015). Collection method: clinical testing. Allele origin: germline.
Comment: In summary, the available evidence is currently insufficient to determine the role of this variant in disease. Therefore, it has been classified as a Variant of Uncertain Significance. Experimental studies and prediction algorithms are not available or were not evaluated, and the functional significance of this variant is currently unknown. This variant has not been reported in the literature in individuals affected with MFN2-related conditions. This variant is not present in population databases (gnomAD no frequency). This variant, c.2096_2101del, results in the deletion of 2 amino acid(s) of the MFN2 protein (p.Leu699_Cys700del), but otherwise preserves the integrity of the reading frame.

Ambry Genetics
Classification: Uncertain significance for Inborn genetic diseases. Last evaluated: 2020-03-19. Review status: criteria provided, single submitter. Criteria: Ambry Variant Classification Scheme 2023. Collection method: clinical testing. Allele origin: germline.
Comment: The c.2096_2101delTGTGTC variant (also known as p.699_700del) is located in coding exon 16 of the MFN2 gene. This variant results from an in-frame deletion of six nucleotides at positions 2096 to 2101. This results in the deletion of two amino acids between codons 699 and 700. This amino acid position is well conserved in available vertebrate species. In addition, this alteration is predicted to be deleterious by in silico analysis (Choi Y et al. PLoS ONE. 2012; 7(10):e46688). Since supporting evidence is limited at this time, the clinical significance of this alteration remains unclear.

NM_014874.4(MFN2):c.2096_2101del (p.Leu699_Cys700del)

Gene: MFN2 (mitofusin 2; plus strand). Cytogenetic location: 1p36.22.
Variant type: Deletion.
Coding change: c.2096_2101del on transcript NM_014874.4 (MANE Select); coding-DNA positions 2096 to 2101, 6 bases deleted (TGTGTC; older notation c.2096_2101delTGTGTC).
Protein change: p.Leu699_Cys700del.
Molecular consequence: inframe deletion.
Genome position (GRCh38, 1-based): chr1:12,009,618-12,009,623, TGTGTC deleted; deleting any 6 consecutive bases within chr1:12,009,616-12,009,623 gives the same sequence; the c. name uses the placement nearest the transcript's 3' end. VCF-style (leftmost placement, unchanged base first): chr1-12009615-ATCTGTG-A. GRCh37 (hg19) VCF-style: chr1-12069672-ATCTGTG-A.
Other names: p.Leu699_Cys700del; c.2096_2101del, p.Leu699_Cys700del (NM_001127660.2).
Identifiers: ClinVar variation 1499824 (VCV001499824.10), dbSNP rs2100868068, ClinGen allele CA2573130667.
Genomic context (GRCh38, chr1:12,009,615, plus strand): 5'-ACACACCCCAACTGGGTCCCTTCTCTCTCCTCCCCAGGGAACTGTCTGGGACCTTTGCTC[ATCTGTG>A]TCAGCAAGTTGACGTCACCCGGGAGAACCTGGAGCAGGAAATTGCCGCCATGAACAAGAA-3'